The following is an entry in ClinVar:

ClinVar aggregate classification (germline): Conflicting classifications of pathogenicity. Review status: criteria provided, conflicting classifications (1 of 4 stars). 7 submissions from 7 submitters: Uncertain significance (3); Likely benign (2). 2 of the submissions do not count toward it. Last evaluated 2025-11-26.

Conditions:
Inborn genetic diseases. Identifiers: MedGen C0950123, MeSH D030342.
Acute myeloid leukemia (AML). Also called: Leukemia, acute myeloid, somatic; Leukemia, acute myelogenous, somatic; Acute myeloid leukemia, adult; AML adult; Acute non-lymphocytic leukemia; Acute granulocytic leukemia. Identifiers: Orphanet 519, MedGen C0023467, MeSH D015470, MONDO:0018874, OMIM 601626, HP:0004808. Disease mechanism: Constitutively activated FLT3.

Allele frequency attached by ClinVar (database versions not stated): TOPMed 0.00001; gnomAD 0.00003; 1000 Genomes Project 30x 0.00031.
gnomAD v4.1: 25 of 1,191,248 alleles (0.0021%); highest among the groups gnomAD compares: East Asian, 0.063%; no homozygotes.

Submissions (7):

Dasa
Classification: Uncertain significance. Last evaluated: 2025-11-26. Review status: criteria provided, single submitter. Criteria: DASA Assertion Criteria. Collection method: clinical testing. Allele origin: germline.
Comment: NM_004364.5(CEBPA):c.421G>T (p.Gly141Cys) is a missense variant that results in the substitution of glycine with cysteine. This variant is rare in population databases. Computational prediction algorithms are consistent with a benign effect. The currently available literature and clinical evidence are not sufficient to establish a definitive association between this variant and the reported condition. Therefore, this variant is classified as a variant of uncertain significance.

Labcorp Genetics (formerly Invitae), Labcorp
Classification: Uncertain significance for Acute myeloid leukemia. Last evaluated: 2025-10-01. Review status: criteria provided, single submitter. Criteria: Invitae Variant Classification Sherloc (09022015). Collection method: clinical testing. Allele origin: germline.
Comment: This sequence change replaces glycine, which is neutral and non-polar, with cysteine, which is neutral and slightly polar, at codon 141 of the CEBPA protein (p.Gly141Cys). This variant is present in population databases (no rsID available, gnomAD 0.01%). This variant has not been reported in the literature in individuals affected with CEBPA-related conditions. ClinVar contains an entry for this variant (Variation ID: 456686). Invitae Evidence Modeling of protein sequence and biophysical properties (such as structural, functional, and spatial information, amino acid conservation, physicochemical variation, residue mobility, and thermodynamic stability) indicates that this missense variant is not expected to disrupt CEBPA protein function with a negative predictive value of 80%. In summary, the available evidence is currently insufficient to determine the role of this variant in disease. Therefore, it has been classified as a Variant of Uncertain Significance.

Ambry Genetics
Classification: Likely benign for Inborn genetic diseases. Last evaluated: 2025-01-10. Review status: criteria provided, single submitter. Criteria: Ambry Variant Classification Scheme 2023. Collection method: clinical testing. Allele origin: germline.

Baylor Genetics
Classification: Uncertain significance for Acute myeloid leukemia. Last evaluated: 2023-05-09. Review status: criteria provided, single submitter. Criteria: ACMG Guidelines, 2015. Collection method: clinical testing. Allele origin: unknown.

Blueprint Genetics
Classification: Likely benign. Last evaluated: 2023-03-20. Review status: criteria provided, single submitter. Criteria: ACMG Guidelines, 2015. Collection method: clinical testing. Allele origin: germline.

Clinical Genetics DNA and cytogenetics Diagnostics Lab, Erasmus MC, Erasmus Medical Center
Classification: Likely benign. Review status: no assertion criteria provided. Collection method: clinical testing. Allele origin: germline. Affected: yes. Study: VKGL Data-share Consensus. Not counted in ClinVar's aggregate classification.

Genome Diagnostics Laboratory, Amsterdam University Medical Center
Classification: Likely benign. Review status: no assertion criteria provided. Collection method: clinical testing. Allele origin: germline. Affected: yes. Study: VKGL Data-share Consensus. Not counted in ClinVar's aggregate classification.

NM_004364.5(CEBPA):c.421G>T (p.Gly141Cys)

Gene: CEBPA (CCAAT enhancer binding protein alpha; minus strand). Cytogenetic location: 19q13.11.
Variant type: single nucleotide variant.
Coding change: c.421G>T on transcript NM_004364.5 (MANE Select); coding-DNA position 421, G replaced by T.
Protein change: p.Gly141Cys; replaces glycine 141 with cysteine.
Molecular consequence: missense variant.
Genome position (GRCh38, 1-based): chr19:33,301,994, C>A on the plus strand (G>T on the coding strand, the complement: CEBPA is on the minus strand). VCF-style: chr19-33301994-C-A. GRCh37 (hg19) VCF-style: chr19-33792900-C-A.
Other names: c.64G>T, p.Gly22Cys (NM_001285829.2); c.526G>T, p.Gly176Cys (NM_001287424.2); c.379G>T, p.Gly127Cys (NM_001287435.2); c.421G>T (NM_004364.3); short protein forms G141C, G176C, G22C, G127C.
Identifiers: ClinVar variation 456686 (VCV000456686.18), dbSNP rs1408671093, ClinGen allele CA405274988.